The following is an entry in ClinVar:

ClinVar aggregate classification (germline): Uncertain significance (1 of 4 stars; one submission).

Conditions:
Hereditary cancer-predisposing syndrome. Also called: Neoplastic Syndromes, Hereditary; Tumor predisposition; Hereditary neoplastic syndrome; Hereditary Cancer Syndrome. Identifiers: Orphanet 140162, MedGen C0027672, MeSH D009386, MONDO:0015356.

Submission:

Ambry Genetics
Classification: Uncertain significance for Hereditary cancer-predisposing syndrome. Last evaluated: 2026-07-18. Review status: criteria provided, single submitter. Criteria: Ambry Variant Classification Scheme 2023. Collection method: clinical testing. Allele origin: germline.
Comment: The p.Q867R variant (also known as c.2600A>G), located in coding exon 18 of the TSC1 gene, results from an A to G substitution at nucleotide position 2600. The glutamine at codon 867 is replaced by arginine, an amino acid with highly similar properties. This amino acid position is conserved. In addition, the in silico prediction for this alteration is inconclusive. Based on the available evidence, the clinical significance of this variant remains unclear.

NM_000368.5(TSC1):c.2600A>G (p.Gln867Arg)

Gene: TSC1 (TSC complex subunit 1; minus strand). Cytogenetic location: 9q34.13.
Variant type: single nucleotide variant.
Coding change: c.2600A>G on transcript NM_000368.5 (MANE Select); coding-DNA position 2600, A replaced by G.
Protein change: p.Gln867Arg; replaces glutamine 867 with arginine.
Molecular consequence: missense variant. On other transcripts: non-coding transcript variant (5).
Genome position (GRCh38, 1-based): chr9:132,900,740, T>C on the plus strand (A>G on the coding strand, the complement: TSC1 is on the minus strand). VCF-style: chr9-132900740-T-C. GRCh37 (hg19) VCF-style: chr9-135776127-T-C.
Other names: c.2597A>G, p.Gln866Arg (NM_001406599.1, NM_001406600.1, NM_001162426.2 and 2 more transcripts); c.2585A>G, p.Gln862Arg (NM_001406601.1, NM_001406602.1); c.2582A>G, p.Gln861Arg (NM_001406603.1, NM_001406604.1); c.2558A>G, p.Gln853Arg (NM_001406605.1, NM_001406606.1, NM_001406607.1); c.2555A>G, p.Gln852Arg (NM_001406608.1, NM_001406609.1); c.2237A>G, p.Gln746Arg (NM_001406618.1, NM_001406619.1, NM_001362177.2 and 4 more transcripts); c.2234A>G, p.Gln745Arg (NM_001406620.1, NM_001406621.1, NM_001406622.1 and 1 more transcripts); c.2195A>G, p.Gln732Arg (NM_001406624.1); and 8 more; short protein forms Q516R, Q801R, Q816R, Q731R, Q745R, Q861R, Q862R, Q866R.
Identifiers: ClinVar variation 5031236 (VCV005031236.1).